The following is an entry in ClinVar:

ClinVar aggregate classification (germline): Uncertain significance (1 of 4 stars; one submission).

Conditions:
Joubert syndrome 8 (JBTS8). Identifiers: Orphanet 475, MedGen C2676771, MONDO:0012855, OMIM 612291.

Allele frequency attached by ClinVar (database versions not stated): gnomAD exomes below 0.00001.
gnomAD v4.1: 1 of 1,607,518 alleles (0.000062%); highest among the groups gnomAD compares: South Asian, 0.0011%; no homozygotes.

Submission:

Labcorp Genetics (formerly Invitae), Labcorp
Classification: Uncertain significance for Joubert syndrome 8. Last evaluated: 2022-11-08. Review status: criteria provided, single submitter. Criteria: Invitae Variant Classification Sherloc (09022015). Collection method: clinical testing. Allele origin: germline.
Comment: In summary, the available evidence is currently insufficient to determine the role of this variant in disease. Therefore, it has been classified as a Variant of Uncertain Significance. Algorithms developed to predict the effect of missense changes on protein structure and function are either unavailable or do not agree on the potential impact of this missense change (SIFT: "Deleterious"; PolyPhen-2: "Probably Damaging"; Align-GVGD: "Class C0"). This variant has not been reported in the literature in individuals affected with ARL13B-related conditions. This variant is not present in population databases (gnomAD no frequency). This sequence change replaces arginine, which is basic and polar, with glycine, which is neutral and non-polar, at codon 230 of the ARL13B protein (p.Arg230Gly).

NM_001174150.2(ARL13B):c.688A>G (p.Arg230Gly)

Gene: ARL13B (ARF like GTPase 13B; plus strand). Cytogenetic location: 3q11.2.
Variant type: single nucleotide variant.
Coding change: c.688A>G on transcript NM_001174150.2 (MANE Select); coding-DNA position 688, A replaced by G.
Protein change: p.Arg230Gly; replaces arginine 230 with glycine.
Molecular consequence: missense variant. On other transcripts: non-coding transcript variant (2).
Genome position (GRCh38, 1-based): chr3:94,036,753, A>G. VCF-style: chr3-94036753-A-G. GRCh37 (hg19) VCF-style: chr3-93755597-A-G.
Other names: c.379A>G, p.Arg127Gly (NM_001174151.2); c.643A>G, p.Arg215Gly (NM_001321328.2); c.688A>G, p.Arg230Gly (NM_001410782.1, NM_182896.3); c.367A>G, p.Arg123Gly (NM_144996.4); short protein forms R127G, R123G, R215G, R230G.
Identifiers: ClinVar variation 2131959 (VCV002131959.4), dbSNP rs2472096656, ClinGen allele CA353678537.